The following is an entry in ClinVar:

NM_001127222.2(CACNA1A):c.109C>G (p.Arg37Gly)

Gene: CACNA1A (calcium voltage-gated channel subunit alpha1 A; minus strand). Cytogenetic location: 19p13.13.
Variant type: single nucleotide variant.
Coding change: c.109C>G on transcript NM_001127222.2 (MANE Select); coding-DNA position 109, C replaced by G.
Protein change: p.Arg37Gly; replaces arginine 37 with glycine.
Molecular consequence: missense variant.
Genome position (GRCh38, 1-based): chr19:13,506,116, G>C on the plus strand (C>G on the coding strand, the complement: CACNA1A is on the minus strand). VCF-style: chr19-13506116-G-C. GRCh37 (hg19) VCF-style: chr19-13616930-G-C.
Other names: c.109C>G, p.Arg37Gly (NM_000068.4, NM_001127221.2, NM_001174080.2 and 1 more transcripts); short protein forms R37G.
Identifiers: ClinVar variation 1306346 (VCV001306346.2), dbSNP rs780987148, ClinGen allele CA404971193.
Genomic context (GRCh38, chr19:13,506,116, plus strand): 5'-GCGCTCTCTGCGCCATTGACTGCTTGTACATCCTTTGCGCCCCGGGCTGCCCGCCCTGCC[G>C]GCTGCCCCCGGCTCCTCGCCCGCCTCCGCTGCCCACGACCACCCCGGCGGCTGCCCCGGA-3'
Protein context (NP_001120694.1, residues 27-47): SGGGRGAGGS[Arg37Gly]QGGQPGAQRM

ClinVar aggregate classification (germline): Uncertain significance (1 of 4 stars; one submission).

gnomAD v4.1: 1 of 1,608,802 alleles (0.000062%); highest among the groups gnomAD compares: South Asian, 0.0011%; no homozygotes.

Submission:

GeneDx
Classification: Uncertain significance. Last evaluated: 2021-06-08. Review status: criteria provided, single submitter. Criteria: GeneDx Variant Classification Process June 2021. Collection method: clinical testing. Allele origin: germline. Affected: yes.
Comment: Not observed at significant frequency in large population cohorts (Lek et al., 2016); In silico analysis, which includes protein predictors and evolutionary conservation, supports a deleterious effect; Has not been previously published as pathogenic or benign to our knowledge; This variant is associated with the following publications: (PMID: 27535533)